The following is an entry in ClinVar:

NM_001127511.3(APC):c.166-28922G>A

Gene: APC (APC regulator of Wnt signaling pathway; plus strand). Cytogenetic location: 5q22.2.
Variant type: single nucleotide variant.
Coding change: c.166-28922G>A on transcript NM_001127511.3; 28922 bases into the intron before coding-DNA position 166, G replaced by A.
Molecular consequence: intron variant.
Genome position (GRCh38, 1-based): chr5:112,737,404, G>A. VCF-style: chr5-112737404-G-A. GRCh37 (hg19) VCF-style: chr5-112073101-G-A.
Other names: c.-1053-17469G>A (NM_001407470.1, NM_001407472.1); c.-18-17469G>A (NM_001407447.1, NM_001354895.2, NM_001407456.1 and 7 more transcripts); c.166-28922G>A (NM_001407446.1, NM_001354897.2, NM_001354902.2); c.-42-28922G>A (NM_001407453.1).
Identifiers: ClinVar variation 506405 (VCV000506405.3), dbSNP rs116483942, ClinGen allele CA124948515.
Genomic context (GRCh38, chr5:112,737,404, plus strand): 5'-TCCACTACTAAGCTGCTAGCATAGCTTTTCTGGTAACTATTTTTAATTCAAATATAATTC[G>A]AGTGATCTATCTAACAAGTCATCACTCTGACAACTCAGTGACTTGTAATGTAAAATTATT-3'

ClinVar aggregate classification (germline): Benign (1 of 4 stars; one submission).

Allele frequency attached by ClinVar (database versions not stated): 1000 Genomes Project 30x 0.01171; gnomAD 0.01466 and 0.01353; TOPMed 0.01497; 1000 Genomes Project 0.01198.
gnomAD v4.1: 2,044 of 152,208 alleles (1.3%); highest among the groups gnomAD compares: African/African-American, 4.6%; 56 homozygotes.

Submission:

GeneDx
Classification: Benign. Last evaluated: 2017-10-09. Review status: criteria provided, single submitter. Criteria: GeneDx Variant Classification (06012015). Collection method: clinical testing. Allele origin: germline. Affected: yes.
Comment: This variant is considered likely benign or benign based on one or more of the following criteria: it is a conservative change, it occurs at a poorly conserved position in the protein, it is predicted to be benign by multiple in silico algorithms, and/or has population frequency not consistent with disease.